The following is an entry in ClinVar:

ClinVar aggregate classification (germline): Uncertain significance (1 of 4 stars; one submission).

Allele frequency attached by ClinVar (database versions not stated): gnomAD exomes below 0.00001.

Submission:

Labcorp Genetics (formerly Invitae), Labcorp
Classification: Uncertain significance. Last evaluated: 2021-05-09. Review status: criteria provided, single submitter. Criteria: Invitae Variant Classification Sherloc (09022015). Collection method: clinical testing. Allele origin: germline.
Comment: This variant is not present in population databases (ExAC no frequency). This sequence change replaces methionine with leucine at codon 1756 of the RP1 protein (p.Met1756Leu). The methionine residue is weakly conserved and there is a small physicochemical difference between methionine and leucine. This variant has not been reported in the literature in individuals with RP1-related conditions. Algorithms developed to predict the effect of missense changes on protein structure and function output the following: SIFT: "Tolerated"; PolyPhen-2: "Benign"; Align-GVGD: "Class C0". The leucine amino acid residue is found in multiple mammalian species, suggesting that this missense change does not adversely affect protein function. These predictions have not been confirmed by published functional studies and their clinical significance is uncertain. In summary, the available evidence is currently insufficient to determine the role of this variant in disease. Therefore, it has been classified as a Variant of Uncertain Significance.

NM_006269.2(RP1):c.5266A>T (p.Met1756Leu)

Genes: RP1 (RP1 axonemal microtubule associated; plus strand), LOC126860392 (CDK7 strongly-dependent group 2 enhancer GRCh37_chr8:55541319-55542518; plus strand). Cytogenetic location: 8q12.1.
Variant type: single nucleotide variant.
Coding change: c.5266A>T on transcript NM_006269.2 (MANE Select); coding-DNA position 5266, A replaced by T.
Protein change: p.Met1756Leu; replaces methionine 1756 with leucine.
Molecular consequence: missense variant. On other transcripts: intron variant (1).
Genome position (GRCh38, 1-based): chr8:54,629,148, A>T. VCF-style: chr8-54629148-A-T. GRCh37 (hg19) VCF-style: chr8-55541708-A-T.
Other names: c.787+6860A>T (NM_001375654.1); short protein forms M1756L.
Identifiers: ClinVar variation 1469896 (VCV001469896.8), dbSNP rs2129318099, ClinGen allele CA370985381.